The following is an entry in ClinVar:

NM_001042492.3(NF1):c.3709-8G>C

Gene: NF1 (neurofibromin 1; plus strand). Cytogenetic location: 17q11.2.
Variant type: single nucleotide variant.
Coding change: c.3709-8G>C on transcript NM_001042492.3 (MANE Select); 8 bases into the intron before coding-DNA position 3709, G replaced by C.
Molecular consequence: intron variant.
Genome position (GRCh38, 1-based): chr17:31,235,603, G>C. VCF-style: chr17-31235603-G-C. GRCh37 (hg19) VCF-style: chr17-29562621-G-C.
Other names: c.3709-8G>C (NM_000267.4).
Identifiers: ClinVar variation 412996 (VCV000412996.16), dbSNP rs767650263, ClinGen allele CA8486229.

ClinVar aggregate classification (germline): Benign/Likely benign. Review status: criteria provided, multiple submitters, no conflicts (2 of 4 stars). 7 submissions from 7 submitters: Benign (1); Likely benign (6). Last evaluated 2026-05-12.

Conditions:
Neurofibromatosis, type 1 (NF1). Also called: VON RECKLINGHAUSEN DISEASE; NEUROFIBROMATOSIS, TYPE I, SOMATIC; Neurofibromatosis, type I; Peripheral type neurofibromatosis. Identifiers: Orphanet 636, MedGen C0027831, MONDO:0018975, OMIM 162200. Disease mechanism: loss of function.
Hereditary cancer-predisposing syndrome. Also called: Hereditary Cancer Syndrome; Neoplastic Syndromes, Hereditary; Hereditary neoplastic syndrome; Tumor predisposition. Identifiers: Orphanet 140162, MedGen C0027672, MeSH D009386, MONDO:0015356.

Allele frequency attached by ClinVar (database versions not stated): gnomAD 0.00001; gnomAD exomes 0.00007 and 0.00003; TOPMed 0.00004; ExAC 0.00006.
gnomAD v4.1: 21 of 1,613,572 alleles (0.0013%); highest among the groups gnomAD compares: Admixed American, 0.035%; no homozygotes.

Submissions (7):

Myriad Genetics, Inc.
Classification: Likely benign for Neurofibromatosis, type 1. Last evaluated: 2026-05-12. Review status: criteria provided, single submitter. Criteria: Myriad Autosomal Dominant, Autosomal Recessive and X-Linked Classification Criteria (2023). Collection method: clinical testing. Allele origin: unknown.
Comment: This variant is considered likely benign. This variant is intronic and is not expected to impact mRNA splicing.

Labcorp Genetics (formerly Invitae), Labcorp
Classification: Likely benign for Neurofibromatosis, type 1. Last evaluated: 2026-01-13. Review status: criteria provided, single submitter. Criteria: Invitae Variant Classification Sherloc (09022015). Collection method: clinical testing. Allele origin: germline.

Women's Health and Genetics/Laboratory Corporation of America, LabCorp
Classification: Benign. Last evaluated: 2024-11-21. Review status: criteria provided, single submitter. Criteria: LabCorp Variant Classification Summary - May 2015. Collection method: clinical testing. Allele origin: germline.
Comment: Variant summary: NF1 c.3709-8G>C alters a non-conserved nucleotide located close to a canonical splice site and therefore could affect mRNA splicing, leading to a significantly altered protein sequence. Consensus agreement among computation tools predict no significant impact on normal splicing. However, these predictions have yet to be confirmed by functional studies. The variant allele was found at a frequency of 6.8e-05 in 251264 control chromosomes, predominantly at a frequency of 0.00049 within the Latino subpopulation in the gnomAD database. The observed variant frequency within Latino control individuals in the gnomAD database is approximately 2.35 fold of the estimated maximal expected allele frequency for a pathogenic variant in NF1 causing Neurofibromatosis Type 1 phenotype (0.00021). To our knowledge, no occurrence of c.3709-8G>C in individuals affected with Neurofibromatosis Type 1 and no experimental evidence demonstrating its impact on protein function have been reported. ClinVar contains an entry for this variant (Variation ID: 412996). Based on the evidence outlined above, the variant was classified as benign.

Genome-Nilou Lab
Classification: Likely benign for Neurofibromatosis, type 1. Last evaluated: 2022-03-15. Review status: criteria provided, single submitter. Criteria: ACMG Guidelines, 2015. Collection method: clinical testing. Allele origin: germline. Affected: no.

Sema4
Classification: Likely benign for Hereditary cancer-predisposing syndrome. Last evaluated: 2022-03-05. Review status: criteria provided, single submitter. Criteria: Sema4 Curation Guidelines. Collection method: curation. Allele origin: germline.

GeneDx
Classification: Likely benign. Last evaluated: 2021-04-06. Review status: criteria provided, single submitter. Criteria: GeneDx Variant Classification Process June 2021. Collection method: clinical testing. Allele origin: germline. Affected: yes.

PreventionGenetics, part of Exact Sciences
Classification: Likely benign. Last evaluated: 2017-11-20. Review status: criteria provided, single submitter. Criteria: ACMG Guidelines, 2015. Collection method: clinical testing. Allele origin: germline.